The following is an entry in ClinVar:

ClinVar aggregate classification (germline): Pathogenic (1 of 4 stars; one submission).

Conditions:
Early-infantile DEE. Also called: Early infantile epileptic encephalopathy with suppression bursts; Early infantile epileptic encephalopathy; Ohtahara syndrome. Identifiers: Orphanet 1934, MedGen C0393706, MONDO:0800491.

Submission:

Labcorp Genetics (formerly Invitae), Labcorp
Classification: Pathogenic for Early-infantile DEE. Last evaluated: 2025-12-15. Review status: criteria provided, single submitter. Criteria: Invitae Variant Classification Sherloc (09022015). Collection method: clinical testing. Allele origin: germline.
Comment: This sequence change creates a premature translational stop signal (p.Asn798Thrfs*14) in the SCN1A gene. It is expected to result in an absent or disrupted protein product. Loss-of-function variants in SCN1A are known to be pathogenic (PMID: 17347258, 18930999). This variant is not present in population databases (gnomAD no frequency). This variant has not been reported in the literature in individuals affected with SCN1A-related conditions. ClinVar contains an entry for this variant (Variation ID: 648064). For these reasons, this variant has been classified as Pathogenic.

Literature cited by the submitters: PubMed 17347258; PubMed 18930999.

NM_001165963.4(SCN1A):c.2393_2411del (p.Asn798fs)

Gene: SCN1A (sodium voltage-gated channel alpha subunit 1; minus strand). Cytogenetic location: 2q24.3.
Variant type: Deletion.
Coding change: c.2393_2411del on transcript NM_001165963.4 (MANE Select); coding-DNA positions 2393 to 2411, 19 bases deleted (ATGTGCTTACAGTAGGAAA).
Protein change: p.Asn798fs; shifts the reading frame from asparagine 798.
Molecular consequence: frameshift variant. On other transcripts: 5 prime UTR variant (1), non-coding transcript variant (1).
Genome position (GRCh38, 1-based): chr2:166,041,235-166,041,253, TTTCCTACTGTAAGCACAT deleted on the plus strand (ATGTGCTTACAGTAGGAAA on the coding strand, the reverse complement: SCN1A is on the minus strand); deleting any 19 consecutive bases within chr2:166,041,235-166,041,254 gives the same sequence; the c. name uses the placement nearest the transcript's 3' end. VCF-style (leftmost placement, unchanged base first): chr2-166041234-GTTTCCTACTGTAAGCACAT-G. GRCh37 (hg19) VCF-style: chr2-166897744-GTTTCCTACTGTAAGCACAT-G.
Other names: c.2309_2327del, p.Asn770fs (NM_001165964.3, NM_001353957.2, NM_001353958.2); c.2393_2411del, p.Asn798fs (NM_001202435.3, NM_001353948.2); c.2360_2378del, p.Asn787fs (NM_001353949.2, NM_001353950.2, NM_001353951.2 and 2 more transcripts); c.2357_2375del, p.Asn786fs (NM_001353954.2, NM_001353955.2); c.2306_2324del, p.Asn769fs (NM_001353960.2); c.-66_-48del (NM_001353961.2); short protein forms N770fs, N786fs, N769fs, N787fs, N798fs.
Identifiers: ClinVar variation 648064 (VCV000648064.7), dbSNP rs1574201591, ClinGen allele CA915942893.
Genomic context (GRCh38, chr2:166,041,234, plus strand): 5'-CAGTTTTTCAAGCAGAAAATTTGAAGACTAAACACATTTACCTTCCAATATGCTTACCAA[GTTTCCTACTGTAAGCACAT>G]TATTGAAATGGTCCGTCATTGGATAGTGCTCCATGGCCATGAAAAGAGTATTTAAGACAA-3'